The following is an entry in ClinVar:

NM_002474.3(MYH11):c.2502G>T (p.Trp834Cys)

Gene: MYH11 (myosin heavy chain 11; minus strand). Cytogenetic location: 16p13.11.
Variant type: single nucleotide variant.
Coding change: c.2502G>T on transcript NM_002474.3 (MANE Select); coding-DNA position 2502, G replaced by T.
Protein change: p.Trp834Cys; replaces tryptophan 834 with cysteine.
Molecular consequence: missense variant.
Genome position (GRCh38, 1-based): chr16:15,745,147, C>A on the plus strand (G>T on the coding strand, the complement: MYH11 is on the minus strand). VCF-style: chr16-15745147-C-A. GRCh37 (hg19) VCF-style: chr16-15839004-C-A.
Other names: c.2523G>T, p.Trp841Cys (NM_001040113.2, NM_001040114.2); c.2502G>T, p.Trp834Cys (NM_022844.3); short protein forms W834C, W841C.
Identifiers: ClinVar variation 4757855 (VCV004757855.1).
Genomic context (GRCh38, chr16:15,745,147, plus strand): 5'-GGCTGGGGGCCCCTGGGAAGGGGGCTGGGGCAGAGCACTCACTTTGGTGAAAAGCCTCCA[C>A]CACTGCCAGTTCCGCAGCTTGAGGTAGGCGGCGCAGTTCCTCTGAATCACCTTCATGGCG-3'
Protein context (NP_002465.1, residues 824-844): AAYLKLRNWQ[Trp834Cys]WRLFTKVKPL

ClinVar aggregate classification (germline): Uncertain significance (1 of 4 stars; one submission).

Conditions:
Familial thoracic aortic aneurysm and aortic dissection (TAAD). Also called: Thoracic aortic aneurysms and dissections. Identifiers: Orphanet 91387, MedGen C4707243, MONDO:0019625.

Submission:

Color Diagnostics, LLC DBA Color Health
Classification: Uncertain significance for Familial thoracic aortic aneurysm and aortic dissection. Last evaluated: 2025-08-30. Review status: criteria provided, single submitter. Criteria: ACMG Guidelines, 2015. Collection method: clinical testing. Allele origin: germline.
Comment: This missense variant replaces tryptophan with cysteine at codon 841 of the MYH11 protein. Computational prediction is inconclusive regarding the impact of this variant on protein structure and function. To our knowledge, functional studies have not been reported for this variant. This variant has not been reported in individuals affected with MYH11-related disorders in the literature. This variant has not been identified in the general population by the Genome Aggregation Database (gnomAD). The available evidence is insufficient to determine the role of this variant in disease conclusively. Therefore, this variant is classified as a Variant of Uncertain Significance.